The following is an entry in ClinVar:

ClinVar aggregate classification (germline): Benign. Review status: criteria provided, single submitter (1 of 4 stars). 2 submissions from 1 submitter: Benign (2). Last evaluated 2018-01-13.

Conditions:
Autosomal recessive ataxia, Beauce type. Also called: SYNE1 Deficiency; SYNE1-Related Autosomal Recessive Cerebellar Ataxia; Spinocerebellar ataxia, autosomal recessive 8; ATAXIA, RECESSIVE, OF BEAUCE. Identifiers: Orphanet 88644, MedGen C1853116, MONDO:0012549, OMIM 610743.
Emery-Dreifuss muscular dystrophy 4, autosomal dominant (EDMD4). Also called: EMERY-DREIFUSS MUSCULAR DYSTROPHY 4 WITH VARIABLE FEATURES. Identifiers: Orphanet 261, MedGen C2751807, MONDO:0013071, OMIM 612998.

Allele frequency attached by ClinVar (database versions not stated): gnomAD 0.00416 and 0.00447; TOPMed 0.00485; 1000 Genomes Project 30x 0.00515; 1000 Genomes Project 0.00579.

Submissions (2):

Illumina Laboratory Services, Illumina
Classification: Benign for Emery-Dreifuss muscular dystrophy 4, autosomal dominant. Last evaluated: 2018-01-13. Review status: criteria provided, single submitter. Criteria: ICSL Variant Classification Criteria 13 December 2019. Collection method: clinical testing. Allele origin: germline.
Comment: This variant was observed in the ICSL laboratory as part of a predisposition screen in an ostensibly healthy population. It had not been previously curated by ICSL or reported in the Human Gene Mutation Database (HGMD: prior to June 1st, 2018), and was therefore a candidate for classification through an automated scoring system. Utilizing variant allele frequency, disease prevalence and penetrance estimates, and inheritance mode, an automated score was calculated to assess if this variant is too frequent to cause the disease. Based on the score and internal cut-off values, a variant classified as benign is not then subjected to further curation. The score for this variant resulted in a classification of benign for this disease.

Illumina Laboratory Services, Illumina
Classification: Benign for Autosomal recessive ataxia, Beauce type. Last evaluated: 2018-01-13. Review status: criteria provided, single submitter. Criteria: ICSL Variant Classification Criteria 13 December 2019. Collection method: clinical testing. Allele origin: germline.
Comment: the same text as in the submission from Illumina Laboratory Services, Illumina above.

NM_182961.4(SYNE1):c.-391-9T>C

Gene: SYNE1 (spectrin repeat containing nuclear envelope protein 1; minus strand). Cytogenetic location: 6q25.2.
Variant type: single nucleotide variant.
Coding change: c.-391-9T>C on transcript NM_182961.4 (MANE Select); 9 bases into the intron before 391 bases upstream of the start codon, T replaced by C.
Molecular consequence: intron variant. On other transcripts: 5 prime UTR variant (1).
Genome position (GRCh38, 1-based): chr6:152,636,814, A>G on the plus strand (T>C on the coding strand, the complement: SYNE1 is on the minus strand). VCF-style: chr6-152636814-A-G. GRCh37 (hg19) VCF-style: chr6-152957949-A-G.
Other names: c.-400T>C (NM_033071.5).
Identifiers: ClinVar variation 355957 (VCV000355957.5), dbSNP rs138926036, ClinGen allele CA10621720.